The following is an entry in ClinVar:

NM_020699.4(GATAD2B):c.163G>A (p.Ala55Thr)

Gene: GATAD2B (GATA zinc finger domain containing 2B; minus strand). Cytogenetic location: 1q21.3.
Variant type: single nucleotide variant.
Coding change: c.163G>A on transcript NM_020699.4 (MANE Select); coding-DNA position 163, G replaced by A.
Protein change: p.Ala55Thr; replaces alanine 55 with threonine.
Molecular consequence: missense variant.
Genome position (GRCh38, 1-based): chr1:153,828,185, C>T on the plus strand (G>A on the coding strand, the complement: GATAD2B is on the minus strand). VCF-style: chr1-153828185-C-T. GRCh37 (hg19) VCF-style: chr1-153800661-C-T.
Other names: short protein forms A55T.
Identifiers: ClinVar variation 2234370 (VCV002234370.5), dbSNP rs368469689, ClinGen allele CA1120921.

ClinVar aggregate classification (germline): Uncertain significance. Review status: criteria provided, multiple submitters, no conflicts (2 of 4 stars). 2 submissions from 2 submitters: Uncertain significance (2). Last evaluated 2025-07-30.

Conditions:
Inborn genetic diseases. Identifiers: MedGen C0950123, MeSH D030342.

Allele frequency attached by ClinVar (database versions not stated): ESP Exome Variant Server 0.00008.
gnomAD v4.1: 8 of 1,614,094 alleles (0.0005%); highest among the groups gnomAD compares: Middle Eastern, 0.033%; no homozygotes.

Submissions (2):

Labcorp Genetics (formerly Invitae), Labcorp
Classification: Uncertain significance. Last evaluated: 2025-07-30. Review status: criteria provided, single submitter. Criteria: Invitae Variant Classification Sherloc (09022015). Collection method: clinical testing. Allele origin: germline.
Comment: This sequence change replaces alanine, which is neutral and non-polar, with threonine, which is neutral and polar, at codon 55 of the GATAD2B protein (p.Ala55Thr). This variant is present in population databases (rs368469689, gnomAD 0.002%). This variant has not been reported in the literature in individuals affected with GATAD2B-related conditions. ClinVar contains an entry for this variant (Variation ID: 2234370). An algorithm developed to predict the effect of missense changes on protein structure and function (PolyPhen-2) suggests that this variant is likely to be tolerated. In summary, the available evidence is currently insufficient to determine the role of this variant in disease. Therefore, it has been classified as a Variant of Uncertain Significance.

Ambry Genetics
Classification: Uncertain significance for Inborn genetic diseases. Last evaluated: 2021-06-22. Review status: criteria provided, single submitter. Criteria: Ambry Variant Classification Scheme 2023. Collection method: clinical testing. Allele origin: germline.